The following is an entry in ClinVar:

NM_000535.7(PMS2):c.1509T>G (p.Ser503=)

Gene: PMS2 (PMS1 homolog 2, mismatch repair system component; minus strand). Cytogenetic location: 7p22.1.
Variant type: single nucleotide variant.
Coding change: c.1509T>G on transcript NM_000535.7 (MANE Select); coding-DNA position 1509, T replaced by G.
Protein change: p.Ser503=; no amino-acid change (serine 503 retained).
Molecular consequence: synonymous variant. On other transcripts: non-coding transcript variant (1), intron variant (1).
Genome position (GRCh38, 1-based): chr7:5,987,256, A>C on the plus strand (T>G on the coding strand, the complement: PMS2 is on the minus strand). VCF-style: chr7-5987256-A-C. GRCh37 (hg19) VCF-style: chr7-6026887-A-C.
Other names: c.1104T>G, p.Ser368= (NM_001018040.1, NM_001322003.2, NM_001322004.2 and 17 more transcripts); c.1353T>G, p.Ser451= (NM_001322006.2, NM_001406870.1); c.1191T>G, p.Ser397= (NM_001322007.2, NM_001322008.2, NM_001406876.1 and 2 more transcripts); c.948T>G, p.Ser316= (NM_001322010.2, NM_001406906.1, NM_001406907.1); c.576T>G, p.Ser192= (NM_001322011.2, NM_001322012.2); c.936T>G, p.Ser312= (NM_001322013.2, NM_001406909.1); c.1509T>G, p.Ser503= (NM_001322014.2, NM_001406871.1, NM_001406872.1); c.1200T>G, p.Ser400= (NM_001322015.2, NM_001406875.1, NM_001406877.1 and 5 more transcripts); and 13 more.
Identifiers: ClinVar variation 1774149 (VCV001774149.4), dbSNP rs2128729081, ClinGen allele CA453747703.

ClinVar aggregate classification (germline): Benign/Likely benign. Review status: criteria provided, multiple submitters, no conflicts (2 of 4 stars). 3 submissions from 3 submitters: Benign (1); Likely benign (2). Last evaluated 2025-09-27.

Conditions:
Hereditary cancer-predisposing syndrome. Also called: Hereditary Cancer Syndrome; Hereditary neoplastic syndrome; Neoplastic Syndromes, Hereditary; Tumor predisposition. Identifiers: Orphanet 140162, MedGen C0027672, MeSH D009386, MONDO:0015356.
Hereditary nonpolyposis colorectal neoplasms. Identifiers: MedGen C0009405, MeSH D003123.
Lynch syndrome 4 (LYNCH4). Also called: Hereditary non-polyposis colorectal cancer, type 4; Colorectal cancer, hereditary nonpolyposis, type 4. Identifiers: Orphanet 144, MedGen C1838333, MONDO:0013699, OMIM 614337. Disease mechanism: loss of function.

Submissions (3):

Labcorp Genetics (formerly Invitae), Labcorp
Classification: Likely benign for Hereditary nonpolyposis colorectal neoplasms. Last evaluated: 2025-09-27. Review status: criteria provided, single submitter. Criteria: Invitae Variant Classification Sherloc (09022015). Collection method: clinical testing. Allele origin: germline.

Myriad Genetics, Inc.
Classification: Benign for Lynch syndrome 4. Last evaluated: 2025-01-30. Review status: criteria provided, single submitter. Criteria: Myriad Autosomal Dominant, Autosomal Recessive and X-Linked Classification Criteria (2023). Collection method: clinical testing. Allele origin: unknown.
Comment: This variant is considered benign. This variant is a silent/synonymous amino acid change and it is not expected to impact splicing.

Ambry Genetics
Classification: Likely benign for Hereditary cancer-predisposing syndrome. Last evaluated: 2019-12-10. Review status: criteria provided, single submitter. Criteria: Ambry Variant Classification Scheme 2023. Collection method: clinical testing. Allele origin: germline.